The following is an entry in ClinVar:

ClinVar aggregate classification (germline): Pathogenic (1 of 4 stars; one submission).

Conditions:
Hereditary nonpolyposis colorectal neoplasms. Identifiers: MedGen C0009405, MeSH D003123.

Submission:

Labcorp Genetics (formerly Invitae), Labcorp
Classification: Pathogenic for Hereditary nonpolyposis colon cancer. Last evaluated: 2020-01-08. Review status: criteria provided, single submitter. Criteria: Invitae Variant Classification Sherloc (09022015). Collection method: clinical testing. Allele origin: germline.
Comment: This variant is a gross deletion of the genomic region encompassing exon 15 of the PMS2 gene. The 5' boundary is likely confined to intron 14. The 3' end of this event is unknown as it extends through the termination codon beyond the assayed region for this gene and may encompass additional genes. While this deletion is not anticipated to result in nonsense mediated decay, it is expected to create a truncated protein product or disrupt mRNA translation. This variant has been observed to segregate with Lynch syndrome in a family (PMID: 21618646) and has also been reported in a family affected with constitutional mismatch repair deficiency syndrome (PMID: 24440087). For these reasons, this variant has been classified as Pathogenic.

Literature cited by the submitters: PubMed 21618646; PubMed 24440087.

NC_000007.14:g.(?_5973399)_(5973552_?)del

Gene: PMS2 (PMS1 homolog 2, mismatch repair system component; minus strand). Cytogenetic location: 7p22.1.
Variant type: Deletion.
Identifiers: ClinVar variation 832771 (VCV000832771.1).